The following is an entry in ClinVar:

NM_020163.3(SEMA3G):c.272G>A (p.Arg91Gln)

Gene: SEMA3G (semaphorin 3G; minus strand). Cytogenetic location: 3p21.1.
Variant type: single nucleotide variant.
Coding change: c.272G>A on transcript NM_020163.3 (MANE Select); coding-DNA position 272, G replaced by A.
Protein change: p.Arg91Gln; replaces arginine 91 with glutamine.
Molecular consequence: missense variant.
Genome position (GRCh38, 1-based): chr3:52,442,751, C>T on the plus strand (G>A on the coding strand, the complement: SEMA3G is on the minus strand). VCF-style: chr3-52442751-C-T. GRCh37 (hg19) VCF-style: chr3-52476767-C-T.
Other names: c.272G>A (NM_020163.1); short protein forms R91Q.
Identifiers: ClinVar variation 2635953 (VCV002635953.4), dbSNP rs200194451, ClinGen allele CA2438409.

ClinVar aggregate classification (germline): Uncertain significance. Review status: criteria provided, single submitter (1 of 4 stars). 2 submissions from 2 submitters: Uncertain significance (1). 1 of the submissions does not count toward it. Last evaluated 2024-08-11.

Conditions:
SEMA3G-related disorder. Also called: SEMA3G-related condition.

Allele frequency attached by ClinVar (database versions not stated): gnomAD 0.00015; gnomAD exomes 0.00016; ESP Exome Variant Server 0.00023; TOPMed 0.00079.
gnomAD v4.1: 316 of 1,613,818 alleles (0.02%); highest among the groups gnomAD compares: Middle Eastern, 0.15%; 3 homozygotes.

Submissions (2):

Ambry Genetics
Classification: Uncertain significance. Last evaluated: 2024-08-11. Review status: criteria provided, single submitter. Criteria: Ambry Variant Classification Scheme 2023. Collection method: clinical testing. Allele origin: germline.

PreventionGenetics, part of Exact Sciences
Classification: Uncertain significance for SEMA3G-related condition. Last evaluated: 2024-07-24. Review status: no assertion criteria provided. Collection method: clinical testing. Allele origin: germline. Not counted in ClinVar's aggregate classification.
Comment: The SEMA3G c.272G>A variant is predicted to result in the amino acid substitution p.Arg91Gln. To our knowledge, this variant has not been reported in the literature. This variant is reported in 0.023% of alleles in individuals of Latino descent in gnomAD. In gnomAD v4.0.0, this variant has been documented in the homozygous state in three individuals. Although we suspect that this variant may be benign, at this time, the clinical significance of this variant is uncertain due to the absence of conclusive functional and genetic evidence.